The following is an entry in ClinVar:

ClinVar aggregate classification (germline): Pathogenic. Review status: criteria provided, single submitter (1 of 4 stars). 2 submissions from 2 submitters: Pathogenic (1). 1 of the submissions does not count toward it. Last evaluated 2025-08-14.

Conditions:
Tooth agenesis, selective, X-linked, 1 (STHAGX1). Also called: HYPODONTIA/OLIGODONTIA, X-LINKED, 1. Identifiers: Orphanet 99798, MedGen C1970757, MONDO:0010741, OMIM 313500. Disease mechanism: loss of function.
Hypohidrotic X-linked ectodermal dysplasia (XHED). Also called: Ectodermal Dysplasia 1, Anhidrotic; Christ-Siemans-Touraine syndrome; ECTODERMAL DYSPLASIA, HYPOHIDROTIC, 1; CST SYNDROME; ECTODERMAL DYSPLASIA 1; Anhidrotic ectodermal dysplasia X-linked. Identifiers: Orphanet 181, Orphanet 238468, MedGen C0162359, MONDO:0010585, OMIM 305100.

Submissions (2):

Labcorp Genetics (formerly Invitae), Labcorp
Classification: Pathogenic for Hypohidrotic X-linked ectodermal dysplasia. Last evaluated: 2025-08-14. Review status: criteria provided, single submitter. Criteria: Invitae Variant Classification Sherloc (09022015). Collection method: clinical testing. Allele origin: germline.
Comment: This sequence change replaces glutamine, which is neutral and polar, with glutamic acid, which is acidic and polar, at codon 358 of the EDA protein (p.Gln358Glu). This variant is not present in population databases (gnomAD no frequency). This missense change has been observed in individual(s) with tooth agenesis (PMID: 17256800). It has also been observed to segregate with disease in related individuals. ClinVar contains an entry for this variant (Variation ID: 11045). Invitae Evidence Modeling of protein sequence and biophysical properties (such as structural, functional, and spatial information, amino acid conservation, physicochemical variation, residue mobility, and thermodynamic stability) has been performed for this missense variant. However, the output from this modeling did not meet the statistical confidence thresholds required to predict the impact of this variant on EDA protein function. Experimental studies have shown that this missense change affects EDA function (PMID: 19623212). For these reasons, this variant has been classified as Pathogenic.

OMIM
Classification: Pathogenic for TOOTH AGENESIS, SELECTIVE, X-LINKED, 1. Last evaluated: 2007-02-15. Review status: no assertion criteria provided. Collection method: literature only. Allele origin: germline. Not counted in ClinVar's aggregate classification.

Literature cited by the submitters: PubMed 17256800 (cited by Labcorp Genetics (formerly Invitae), Labcorp and OMIM); PubMed 19623212 (cited by Labcorp Genetics (formerly Invitae), Labcorp).

NM_001399.5(EDA):c.1072C>G (p.Gln358Glu)

Gene: EDA (ectodysplasin A; plus strand). Cytogenetic location: Xq13.1.
Variant type: single nucleotide variant.
Coding change: c.1072C>G on transcript NM_001399.5 (MANE Select); coding-DNA position 1072, C replaced by G.
Protein change: p.Gln358Glu; replaces glutamine 358 with glutamic acid.
Molecular consequence: missense variant.
Genome position (GRCh38, 1-based): chrX:70,035,505, C>G. VCF-style: chrX-70035505-C-G. GRCh37 (hg19) VCF-style: chrX-69255355-C-G.
Other names: c.1066C>G, p.Gln356Glu (NM_001005609.2); c.1057C>G, p.Gln353Glu (NM_001005612.3); short protein forms Q358E, Q353E, Q356E.
Identifiers: ClinVar variation 11045 (VCV000011045.2), dbSNP rs132630320, ClinGen allele CA121313.